The following is an entry in ClinVar:

NM_001367624.2(ZNF469):c.10469G>C (p.Arg3490Thr)

Gene: ZNF469 (zinc finger protein 469; plus strand). Cytogenetic location: 16q24.2.
Variant type: single nucleotide variant.
Coding change: c.10469G>C on transcript NM_001367624.2 (MANE Select); coding-DNA position 10469, G replaced by C.
Protein change: p.Arg3490Thr; replaces arginine 3490 with threonine.
Molecular consequence: missense variant.
Genome position (GRCh38, 1-based): chr16:88,437,939, G>C. VCF-style: chr16-88437939-G-C. GRCh37 (hg19) VCF-style: chr16-88504347-G-C.
Other names: NM_001127464.1:c.10385G>C; short protein forms R3490T.
Identifiers: ClinVar variation 3232725 (VCV003232725.1), dbSNP rs1465327937, ClinGen allele CA397127040.

ClinVar aggregate classification (germline): Uncertain significance (1 of 4 stars; one submission).

Conditions:
Cardiovascular phenotype. Identifiers: MedGen CN230736.

Submission:

Ambry Genetics
Classification: Uncertain significance for Cardiovascular phenotype. Last evaluated: 2023-11-10. Review status: criteria provided, single submitter. Criteria: Ambry Variant Classification Scheme 2023. Collection method: clinical testing. Allele origin: germline.
Comment: The p.R3462T variant (also known as c.10385G>C), located in coding exon 2 of the ZNF469 gene, results from a G to C substitution at nucleotide position 10385. The arginine at codon 3462 is replaced by threonine, an amino acid with similar properties. This amino acid position is conserved. In addition, this alteration is predicted to be tolerated by in silico analysis. Since supporting evidence is limited at this time, the clinical significance of this alteration remains unclear.